The following is an entry in ClinVar:

NM_000059.4(BRCA2):c.2481T>G (p.Asn827Lys)

Gene: BRCA2 (BRCA2 DNA repair associated; plus strand). Cytogenetic location: 13q13.1.
Variant type: single nucleotide variant.
Coding change: c.2481T>G on transcript NM_000059.4 (MANE Select); coding-DNA position 2481, T replaced by G.
Protein change: p.Asn827Lys; replaces asparagine 827 with lysine.
Molecular consequence: missense variant. On other transcripts: intron variant (2), non-coding transcript variant (1).
Genome position (GRCh38, 1-based): chr13:32,336,836, T>G. VCF-style: chr13-32336836-T-G. GRCh37 (hg19) VCF-style: chr13-32910973-T-G.
Other names: c.424+5806T>G (NM_001406722.1); c.2481T>G, p.Asn827Lys (NM_001406719.1, NM_001406720.1, NM_001432077.1); c.1909+3449T>G (NM_001406721.1); short protein forms N827K.
Identifiers: ClinVar variation 3669411 (VCV003669411.2).
Genomic context (GRCh38, chr13:32,336,836, plus strand): 5'-TGAATTAACCAAAAATATTCCCATGGAAAAGAATCAAGATGTATGTGCTTTAAATGAAAA[T>G]TATAAAAACGTTGAGCTGTTGCCACCTGAAAAATACATGAGAGTAGCATCACCTTCAAGA-3'
Protein context (NP_000050.3, residues 817-837): KNQDVCALNE[Asn827Lys]YKNVELLPPE

ClinVar aggregate classification (germline): Uncertain significance (1 of 4 stars; one submission).

Conditions:
Hereditary breast ovarian cancer syndrome. Also called: BRCA1- and BRCA2-Associated Hereditary Breast and Ovarian Cancer; Hereditary breast and/or ovarian cancer syndrome; Hereditary breast and ovarian cancer syndrome; Hereditary breast and ovarian cancer syndrome (HBOC); Breast and ovarian cancer; Hereditary breast and ovarian cancer. Identifiers: Orphanet 145, MedGen C0677776, MeSH D061325, MONDO:0003582. Disease mechanism: loss of function.

Submission:

Labcorp Genetics (formerly Invitae), Labcorp
Classification: Uncertain significance for Hereditary breast ovarian cancer syndrome. Last evaluated: 2024-10-31. Review status: criteria provided, single submitter. Criteria: Invitae Variant Classification Sherloc (09022015). Collection method: clinical testing. Allele origin: germline.
Comment: This sequence change replaces asparagine, which is neutral and polar, with lysine, which is basic and polar, at codon 827 of the BRCA2 protein (p.Asn827Lys). This variant is not present in population databases (gnomAD no frequency). This variant has not been reported in the literature in individuals affected with BRCA2-related conditions. Invitae Evidence Modeling of protein sequence and biophysical properties (such as structural, functional, and spatial information, amino acid conservation, physicochemical variation, residue mobility, and thermodynamic stability) indicates that this missense variant is not expected to disrupt BRCA2 protein function with a negative predictive value of 95%. In summary, the available evidence is currently insufficient to determine the role of this variant in disease. Therefore, it has been classified as a Variant of Uncertain Significance.